The following is an entry in ClinVar:

ClinVar aggregate classification (germline): Uncertain significance. Review status: criteria provided, multiple submitters, no conflicts (2 of 4 stars). 5 submissions from 5 submitters: Uncertain significance (4). 1 of the submissions does not count toward it. Last evaluated 2025-06-04.

Conditions:
Juvenile polyposis syndrome (JPS). Identifiers: Orphanet 2929, MedGen C0345893, MONDO:0017380, OMIM 174900.
Hereditary cancer-predisposing syndrome. Also called: Hereditary neoplastic syndrome; Tumor predisposition; Neoplastic Syndromes, Hereditary; Hereditary Cancer Syndrome. Identifiers: Orphanet 140162, MedGen C0027672, MeSH D009386, MONDO:0015356.
Familial thoracic aortic aneurysm and aortic dissection (TAAD). Also called: Thoracic aortic aneurysms and dissections. Identifiers: Orphanet 91387, MedGen C4707243, MONDO:0019625.
Juvenile polyposis/hereditary hemorrhagic telangiectasia syndrome (JPHT). Also called: Juvenile Polyposis Syndrome / Hereditary Hemorrhagic Telangiectasia (JPS/HHT); JP/HHT SYNDROME; JUVENILE POLYPOSIS WITH HEREDITARY HEMORRHAGIC TELANGIECTASIA; POLYPOSIS, GENERALIZED JUVENILE, WITH PULMONARY ARTERIOVENOUS MALFORMATION; TELANGIECTASIA, HEREDITARY HEMORRHAGIC, WITH JUVENILE POLYPOSIS COLI. Identifiers: Orphanet 2929, MedGen C1832942, MONDO:0008278, OMIM 175050.

Submissions (5):

Labcorp Genetics (formerly Invitae), Labcorp
Classification: Uncertain significance for Juvenile polyposis syndrome. Last evaluated: 2025-06-04. Review status: criteria provided, single submitter. Criteria: Invitae Variant Classification Sherloc (09022015). Collection method: clinical testing. Allele origin: germline.
Comment: This sequence change creates a premature translational stop signal (p.Gln549Hisfs*3) in the SMAD4 gene. While this is not anticipated to result in nonsense mediated decay, it is expected to disrupt the last 4 amino acid(s) of the SMAD4 protein. This variant is not present in population databases (gnomAD no frequency). This variant has not been reported in the literature in individuals affected with SMAD4-related conditions. ClinVar contains an entry for this variant (Variation ID: 548845). Experimental studies and prediction algorithms are not available or were not evaluated, and the functional significance of this variant is currently unknown. In summary, the available evidence is currently insufficient to determine the role of this variant in disease. Therefore, it has been classified as a Variant of Uncertain Significance.

Ambry Genetics
Classification: Uncertain significance for Hereditary cancer-predisposing syndrome; Familial thoracic aortic aneurysm and aortic dissection. Last evaluated: 2024-08-08. Review status: criteria provided, single submitter. Criteria: Ambry Variant Classification Scheme 2023. Collection method: clinical testing. Allele origin: germline.
Comment: The c.1647delA variant, located in coding exon 11 of the SMAD4 gene, results from a deletion of one nucleotide at nucleotide position 1647, causing a translational frameshift with a predicted alternate stop codon (p.Q549Hfs*3). This alteration occurs at the 3' terminus of theSMAD4 gene, is not expected to trigger nonsense-mediated mRNAdecay, and only impacts the last four amino acids of the protein. The exact functional effect of this alteration is unknown. Since supporting evidence is limited at this time, the clinical significance of this alteration remains unclear.

Baylor Genetics
Classification: Uncertain significance for Juvenile polyposis/hereditary hemorrhagic telangiectasia syndrome. Last evaluated: 2024-01-05. Review status: criteria provided, single submitter. Criteria: ACMG Guidelines, 2015. Collection method: clinical testing. Allele origin: unknown.

All of Us Research Program, National Institutes of Health
Classification: Uncertain significance for Juvenile polyposis/hereditary hemorrhagic telangiectasia syndrome. Last evaluated: 2023-12-01. Review status: criteria provided, single submitter. Criteria: ACMG Guidelines, 2015. Collection method: clinical testing. Allele origin: germline. Inheritance: Autosomal dominant inheritance. Observed: 1 variant allele, 1 heterozygote.
Comment: This study involves interpretation of variants in research participants for the purpose of population health screening. Participant phenotype was not available at the time of variant classification. Additional details can be found in publication PMID: 35346344, PMCID: PMC8962531

Counsyl
Classification: Uncertain significance for Juvenile polyposis syndrome. Last evaluated: 2018-01-22. Review status: no assertion criteria provided. Collection method: clinical testing. Allele origin: unknown. Not counted in ClinVar's aggregate classification.

NM_005359.6(SMAD4):c.1647del (p.Gln549fs)

Gene: SMAD4 (SMAD family member 4; plus strand). Cytogenetic location: 18q21.2.
Variant type: Deletion.
Coding change: c.1647del on transcript NM_005359.6 (MANE Select); coding-DNA position 1647, one base deleted (A; older notation c.1647delA).
Protein change: p.Gln549fs; shifts the reading frame from glutamine 549.
Molecular consequence: frameshift variant.
Genome position (GRCh38, 1-based): chr18:51,078,455, A deleted; the last of 2 consecutive A bases (chr18:51,078,454-51,078,455); deleting either gives the same sequence. VCF-style (leftmost placement, unchanged base first): chr18-51078453-CA-C. GRCh37 (hg19) VCF-style: chr18-48604823-CA-C.
Other names: c.1647delA (NM_005359.5); short protein forms Q549fs.
Identifiers: ClinVar variation 548845 (VCV000548845.12), dbSNP rs1555687615, ClinGen allele CA658824636.